The following is an entry in ClinVar:

NM_015057.5(MYCBP2):c.1432-1G>A

Gene: MYCBP2 (MYC binding protein 2; minus strand). Cytogenetic location: 13q22.3.
Variant type: single nucleotide variant.
Coding change: c.1432-1G>A on transcript NM_015057.5 (MANE Select); the canonical splice acceptor site of the intron before coding-DNA position 1432, G replaced by A.
Molecular consequence: splice acceptor variant.
Genome position (GRCh38, 1-based): chr13:77,263,790, C>T on the plus strand (G>A on the coding strand, the complement: MYCBP2 is on the minus strand). VCF-style: chr13-77263790-C-T. GRCh37 (hg19) VCF-style: chr13-77837925-C-T.
Identifiers: ClinVar variation 5000389 (VCV005000389.1).

ClinVar aggregate classification (germline): Uncertain significance (1 of 4 stars; one submission).

Conditions:
MYCBP2-related disorder. Also called: MYCBP2-related condition.

Submission:

PreventionGenetics, part of Exact Sciences
Classification: Uncertain significance for MYCBP2-related condition. Last evaluated: 2024-11-12. Review status: criteria provided, single submitter. Criteria: ACMG Guidelines, 2015. Collection method: clinical testing. Allele origin: germline.
Comment: The MYCBP2 c.1432-1G>A variant is predicted to disrupt the AG splice acceptor site and interfere with normal splicing. To our knowledge, this variant has not been reported in the literature or in a large population database (gnomAD), indicating this variant is rare. At this time, the clinical significance of this variant is uncertain due to the absence of conclusive functional and genetic evidence.